The following is an entry in ClinVar:

NM_000179.3(MSH6):c.2371C>G (p.Arg791Gly)

Gene: MSH6 (mutS homolog 6; plus strand). Cytogenetic location: 2p16.3.
Variant type: single nucleotide variant.
Coding change: c.2371C>G on transcript NM_000179.3 (MANE Select); coding-DNA position 2371, C replaced by G.
Protein change: p.Arg791Gly; replaces arginine 791 with glycine.
Molecular consequence: missense variant. On other transcripts: non-coding transcript variant (5), intron variant (3).
Genome position (GRCh38, 1-based): chr2:47,800,354, C>G. VCF-style: chr2-47800354-C-G. GRCh37 (hg19) VCF-style: chr2-48027493-C-G.
Other names: c.1981C>G, p.Arg661Gly (NM_001281492.2); c.1465C>G, p.Arg489Gly (NM_001281493.2, NM_001281494.2, NM_001406811.1 and 6 more transcripts); c.2467C>G, p.Arg823Gly (NM_001406795.1, NM_001406802.1); c.2371C>G, p.Arg791Gly (NM_001406796.1, NM_001406798.1, NM_001406800.1 and 2 more transcripts); c.2074C>G, p.Arg692Gly (NM_001406797.1, NM_001406801.1, NM_001406805.1 and 10 more transcripts); c.1846C>G, p.Arg616Gly (NM_001406799.1, NM_001406806.1, NM_001406807.1); c.2293C>G, p.Arg765Gly (NM_001406804.1); c.2377C>G, p.Arg793Gly (NM_001406813.1); and 4 more; short protein forms R489G, R616G, R661G, R692G, R735G, R765G, R791G, R793G.
Identifiers: ClinVar variation 4800214 (VCV004800214.1).

ClinVar aggregate classification (germline): Uncertain significance (1 of 4 stars; one submission).

Conditions:
Hereditary nonpolyposis colorectal neoplasms. Identifiers: MedGen C0009405, MeSH D003123.

Submission:

Labcorp Genetics (formerly Invitae), Labcorp
Classification: Uncertain significance for Hereditary nonpolyposis colorectal neoplasms. Last evaluated: 2025-11-17. Review status: criteria provided, single submitter. Criteria: Invitae Variant Classification Sherloc (09022015). Collection method: clinical testing. Allele origin: germline.
Comment: This sequence change replaces arginine, which is basic and polar, with glycine, which is neutral and non-polar, at codon 791 of the MSH6 protein (p.Arg791Gly). This variant is not present in population databases (gnomAD no frequency). This variant has not been reported in the literature in individuals affected with MSH6-related conditions. Invitae Evidence Modeling of protein sequence and biophysical properties (such as structural, functional, and spatial information, amino acid conservation, physicochemical variation, residue mobility, and thermodynamic stability) indicates that this missense variant is expected to disrupt MSH6 protein function with a positive predictive value of 95%. In summary, the available evidence is currently insufficient to determine the role of this variant in disease. Therefore, it has been classified as a Variant of Uncertain Significance.